The following is an entry in ClinVar:

ClinVar aggregate classification (germline): Pathogenic. Review status: reviewed by expert panel (3 of 4 stars). 12 submissions from 12 submitters: Pathogenic (1). 11 of the submissions do not count toward it. Last evaluated 2026-04-29.

Conditions:
Muscular dystrophy, limb-girdle, autosomal dominant 4. Also called: Calpain-3-related limb-girdle muscular dystrophy D4; MUSCULAR DYSTROPHY, LIMB-GIRDLE, TYPE 1I. Identifiers: Orphanet 565909, MedGen C4748295, MONDO:0029133, OMIM 618129.
Autosomal recessive limb-girdle muscular dystrophy. Identifiers: Orphanet 102015, MedGen C2931907, MONDO:0015152.
Autosomal recessive limb-girdle muscular dystrophy type 2A (LGMDR1). Also called: Muscular dystrophy, limb-girdle, type 2A, Amish; LEYDEN-MOEBIUS MUSCULAR DYSTROPHY; MUSCULAR DYSTROPHY, PELVOFEMORAL; Calpainopathy; Limb-girdle muscular dystrophy, type 2A. Identifiers: Orphanet 267, MedGen C1869123, MONDO:0009675, OMIM 253600. Disease mechanism: loss of function.

Allele frequency attached by ClinVar (database versions not stated): gnomAD 0.00001; gnomAD exomes 0.00002; TOPMed 0.00002.
gnomAD v4.1: 30 of 1,614,014 alleles (0.0019%); highest among the groups gnomAD compares: East Asian, 0.0045%; no homozygotes.

Submissions (12):

ClinGen Limb Girdle Muscular Dystrophy Variant Curation Expert Panel, ClinGen
Classification: Pathogenic for Autosomal recessive limb-girdle muscular dystrophy. Last evaluated: 2026-04-29. Review status: reviewed by expert panel. Criteria: ClinGen LGMD VCEP ACMG Specifications CAPN3 V2.0.0. Collection method: curation. Allele origin: germline. Inheritance: Autosomal recessive inheritance.
Comment: The NM_000070.3: c.145C>T variant in CAPN3 is a missense variant predicted to cause the substitution of arginine by cysteine at amino acid position 49, p.(Arg49Cys). At least one patient with this variant and a second presumed diagnostic CAPN3 variant displayed progressive limb girdle muscle weakness as well as absent expression of calpain-3, which is highly specific for CAPN3-related LGMD (PP4_Strong; PMID: 35198268, 19556129). The upper bound of the 95% confidence interval of the Grpmax variant allele frequency in gnomAD v4.1.1 is 0.0001005 (4/91080 South Asian alleles), which is greater than the VCEP threshold of 0.0001 (PM2_Supporting not met). The computational predictor REVEL gives a score of 0.734, which is above the VCEP threshold of ≥0.70, evidence that correlates with impact to CAPN3 function (PP3). In addition, another missense variant at the same codon, c.146G>A p.(Arg49His), has been classified as pathogenic by the ClinGen LGMD VCEP (PM5). In summary, this variant meets the criteria to be classified as Pathogenic for autosomal recessive limb girdle muscular dystrophy based on the ACMG/AMP criteria applied, as specified by the ClinGen LGMD VCEP (LGMD VCEP specifications version 2.0.0; 04/29/2026): PM3_Strong, PP4_Strong, PM5, PP3.

GeneDx
Classification: Pathogenic. Last evaluated: 2026-04-28. Review status: criteria provided, single submitter. Criteria: GeneDx Variant Classification Process June 2021. Collection method: clinical testing. Allele origin: germline. Not counted in ClinVar's aggregate classification.
Comment: Published functional studies demonstrate a damaging effect where the p.(R49C) variant, in combination with p.(M252K) results in the abrogation of the calpain 3 protein (PMID: 18055493); In silico analysis suggests that this missense variant does not alter protein structure/function; This variant is associated with the following publications: (PMID: 39678382, 18334579, 19556129, 27500519, 20694146, 36374152, 18055493, 31130284, 32528171, 28403181, 35198268, 31862442, 34355366, 35169782, 19285864, 21670566)

Natera, Inc.
Classification: Pathogenic for Limb-girdle muscular dystrophy type 2A. Last evaluated: 2025-07-03. Review status: criteria provided, single submitter. Criteria: Natera Variant Classification Schema (03/2026). Collection method: clinical testing. Allele origin: germline. Not counted in ClinVar's aggregate classification.
Comment: The c.145C>T variant in CAPN3 is a missense variant predicted to cause substitution of arginine to cysteine at amino acid 49. This variant is rare in the general population with a frequency below the threshold expected for the associated phenotype(s). This variant has been observed in one or more individuals affected with the associated recessive disease, as either homozygous or compound heterozygous with a second variant (PMID: 35198268, 35169782, 18055493, 28403181, 19285864, 31862442). Computational prediction algorithms indicate this variant is likely to affect gene or protein function. Given the available evidence, this variant is classified as Pathogenic.

Labcorp Genetics (formerly Invitae), Labcorp
Classification: Pathogenic for Autosomal recessive limb-girdle muscular dystrophy type 2A. Last evaluated: 2025-06-27. Review status: criteria provided, single submitter. Criteria: Invitae Variant Classification Sherloc (09022015). Collection method: clinical testing. Allele origin: germline. Not counted in ClinVar's aggregate classification.
Comment: This sequence change replaces arginine, which is basic and polar, with cysteine, which is neutral and slightly polar, at codon 49 of the CAPN3 protein (p.Arg49Cys). This variant is present in population databases (rs794726871, gnomAD 0.004%). This missense change has been observed in individual(s) with autosomal recessive limb-girdle muscular dystrophy (PMID: 18055493, 18334579, 19285864, 19556129, 28403181). In at least one individual the data is consistent with being in trans (on the opposite chromosome) from a pathogenic variant. ClinVar contains an entry for this variant (Variation ID: 193037). Invitae Evidence Modeling of protein sequence and biophysical properties (such as structural, functional, and spatial information, amino acid conservation, physicochemical variation, residue mobility, and thermodynamic stability) indicates that this missense variant is expected to disrupt CAPN3 protein function with a positive predictive value of 95%. This variant disrupts the p.Arg49 amino acid residue in CAPN3. Other variant(s) that disrupt this residue have been determined to be pathogenic (PMID: 16650086, 17318636, 25135358). This suggests that this residue is clinically significant, and that variants that disrupt this residue are likely to be disease-causing. For these reasons, this variant has been classified as Pathogenic.

Baylor Genetics
Classification: Pathogenic for Muscular dystrophy, limb-girdle, autosomal dominant 4. Last evaluated: 2024-03-20. Review status: criteria provided, single submitter. Criteria: ACMG Guidelines, 2015. Collection method: clinical testing. Allele origin: unknown. Not counted in ClinVar's aggregate classification.

Women's Health and Genetics/Laboratory Corporation of America, LabCorp
Classification: Likely pathogenic for Autosomal recessive limb-girdle muscular dystrophy. Last evaluated: 2023-01-06. Review status: criteria provided, single submitter. Criteria: LabCorp Variant Classification Summary - May 2015. Collection method: clinical testing. Allele origin: germline. Not counted in ClinVar's aggregate classification.
Comment: Variant summary: CAPN3 c.145C>T (p.Arg49Cys) results in a non-conservative amino acid change in the encoded protein sequence. Five of five in-silico tools predict a damaging effect of the variant on protein function. The variant allele was found at a frequency of 2.4e-05 in 251372 control chromosomes. c.145C>T has been reported in the literature as a compound heterozygous genotype in individuals affected with Limb-Girdle Muscular Dystrophy, Autosomal Recessive (example, Groen_2007, Charlton_2009, Meinke_2020, Alharbi_2021). These data indicate that the variant is likely to be associated with disease. To our knowledge, no experimental evidence demonstrating an impact on protein function has been reported. Seven clinical diagnostic laboratories have submitted clinical-significance assessments for this variant to ClinVar after 2014 without evidence for independent evaluation. All laboratories classified the variant as pathogenic/likely pathogenic. Based on the evidence outlined above, the variant was classified as likely pathogenic.

CeGaT Center for Human Genetics Tuebingen
Classification: Pathogenic. Last evaluated: 2020-03-01. Review status: criteria provided, single submitter. Criteria: CeGaT Center For Human Genetics Tuebingen Variant Classification Criteria Version 2. Collection method: clinical testing. Allele origin: germline. Affected: yes. Observed: 2 variant alleles. Not counted in ClinVar's aggregate classification.

Revvity Omics, Revvity
Classification: Likely pathogenic. Last evaluated: 2019-02-14. Review status: criteria provided, single submitter. Criteria: ACMG Guidelines, 2015. Collection method: clinical testing. Allele origin: germline. Not counted in ClinVar's aggregate classification.

Broad Center for Mendelian Genomics, Broad Institute of MIT and Harvard
Classification: Likely pathogenic for Autosomal recessive limb-girdle muscular dystrophy type 2A. Last evaluated: 2018-12-03. Review status: criteria provided, single submitter. Criteria: ACMG Guidelines, 2015. Collection method: research. Allele origin: germline. Inheritance: Autosomal recessive inheritance. Affected: yes. Not counted in ClinVar's aggregate classification.
Comment: This variant has been identified in 0.002437% (6/246158) of chromosomes by the Genome Aggregation Database (gnomAD; dbSNP rs794726871). Although this variant has been seen in the general population, its frequency is low enough to be consistent with a recessive carrier frequency. The p.Arg49Cys variant in CAPN3 has been reported in 2 individuals with LGMD (PMID: 18334579, 19285864). Also, the presence of this variant in combination with a reported pathogenic variant and in an individual with LGMD increases the likelihood that the p.Arg49Cys variant is pathogenic (Variation ID: 166790). Computational prediction tools and conservation analyses suggest that this variant may impact the protein, though this information is not predictive enough to determine pathogenicity. This missense variant affects the same residue as the likely pathogenic p.Arg49His variant, raising the possibility that a change at this residue may not be tolerated. In summary, although additional studies are required to fully establish its clinical significance, the p.Arg49Cys variant is likely pathogenic. ACMG/AMP Criteria applied: PM2, PM3, PM5, PP3 (Richards 2015).

Athena Diagnostics
Classification: Likely pathogenic. Last evaluated: 2018-08-27. Review status: criteria provided, single submitter. Criteria: Athena Diagnostics Criteria. Collection method: clinical testing. Allele origin: germline. Not counted in ClinVar's aggregate classification.
Comment: The best available variant frequency is uninformative because it is below the disease allele frequency. Found in at least one symptomatic patient. Predicted to have a damaging effect on the protein. One other pathogenic or likely pathogenic variant affects the same amino acid. Occurs in three or more cases with a recessive pathogenic variant in the same gene.

Eurofins Ntd Llc (ga)
Classification: Pathogenic. Last evaluated: 2016-05-12. Review status: criteria provided, single submitter. Criteria: EGL Classification Definitions 2015. Collection method: clinical testing. Allele origin: germline. Observed: 9 variant alleles, 9 heterozygotes. Not counted in ClinVar's aggregate classification.

Counsyl
Classification: Likely pathogenic for Autosomal recessive limb-girdle muscular dystrophy type 2A. Last evaluated: 2017-03-10. Review status: no assertion criteria provided. Collection method: clinical testing. Allele origin: unknown. Not counted in ClinVar's aggregate classification.

Literature cited by the submitters: PubMed 35198268 (cited by Natera, Inc.); PubMed 35169782 (cited by Natera, Inc.); PubMed 18055493 (cited by 6 submitters); PubMed 28403181 (cited by Natera, Inc. and Labcorp Genetics (formerly Invitae), Labcorp); PubMed 19285864 (cited by 6 submitters); PubMed 31862442 (cited by Natera, Inc. and Women's Health and Genetics/Laboratory Corporation of America, LabCorp); PubMed 18334579 (cited by 3 submitters); PubMed 19556129 (cited by 3 submitters); PubMed 16650086 (cited by Labcorp Genetics (formerly Invitae), Labcorp); PubMed 17318636 (cited by Labcorp Genetics (formerly Invitae), Labcorp); PubMed 25135358 (cited by Labcorp Genetics (formerly Invitae), Labcorp); PubMed 34355366 (cited by Women's Health and Genetics/Laboratory Corporation of America, LabCorp); PubMed 20694146 (cited by Athena Diagnostics and Counsyl).

NM_000070.3(CAPN3):c.145C>T (p.Arg49Cys)

Gene: CAPN3 (calpain 3; plus strand). Cytogenetic location: 15q15.1.
Variant type: single nucleotide variant.
Coding change: c.145C>T on transcript NM_000070.3 (MANE Select); coding-DNA position 145, C replaced by T.
Protein change: p.Arg49Cys; replaces arginine 49 with cysteine.
Molecular consequence: missense variant.
Genome position (GRCh38, 1-based): chr15:42,359,950, C>T. VCF-style: chr15-42359950-C-T. GRCh37 (hg19) VCF-style: chr15-42652148-C-T.
Other names: NM_000070.3(CAPN3):c.145C>T; c.145C>T, p.Arg49Cys (NM_024344.2, NM_173087.2); short protein forms R49C.
Identifiers: ClinVar variation 193037 (VCV000193037.71), dbSNP rs794726871, ClinGen allele CA346852.